The following is an entry in ClinVar:

NM_004304.5(ALK):c.193C>A (p.Arg65Ser)

Gene: ALK (ALK receptor tyrosine kinase; minus strand). Cytogenetic location: 2p23.1.
Variant type: single nucleotide variant.
Coding change: c.193C>A on transcript NM_004304.5 (MANE Select); coding-DNA position 193, C replaced by A.
Protein change: p.Arg65Ser; replaces arginine 65 with serine.
Molecular consequence: missense variant.
Genome position (GRCh38, 1-based): chr2:29,920,467, G>T on the plus strand (C>A on the coding strand, the complement: ALK is on the minus strand). VCF-style: chr2-29920467-G-T. GRCh37 (hg19) VCF-style: chr2-30143333-G-T.
Other names: c.193C>A (NM_004304.4); short protein forms R65S.
Identifiers: ClinVar variation 3241682 (VCV003241682.2), dbSNP rs1343353214.

ClinVar aggregate classification (germline): Uncertain significance. Review status: criteria provided, multiple submitters, no conflicts (2 of 4 stars). 2 submissions from 2 submitters: Uncertain significance (2). Last evaluated 2025-03-12.

Conditions:
Hereditary cancer-predisposing syndrome. Also called: Hereditary Cancer Syndrome; Tumor predisposition; Neoplastic Syndromes, Hereditary; Hereditary neoplastic syndrome. Identifiers: Orphanet 140162, MedGen C0027672, MeSH D009386, MONDO:0015356.
Neuroblastoma, susceptibility to, 3. Also called: ALK-Related Neuroblastic Tumor Susceptibility. Identifiers: Orphanet 635, MedGen C2751681, MONDO:0013083, OMIM 613014.

gnomAD v4.1: 1 of 1,612,596 alleles (0.000062%); no homozygotes.

Submissions (2):

Ambry Genetics
Classification: Uncertain significance for Hereditary cancer-predisposing syndrome. Last evaluated: 2025-03-12. Review status: criteria provided, single submitter. Criteria: Ambry Variant Classification Scheme 2023. Collection method: clinical testing. Allele origin: germline.
Comment: The p.R65S variant (also known as c.193C>A), located in coding exon 1 of the ALK gene, results from a C to A substitution at nucleotide position 193. The arginine at codon 65 is replaced by serine, an amino acid with dissimilar properties. This amino acid position is conserved. In addition, this alteration is predicted to be deleterious by in silico analysis. Based on the available evidence, the clinical significance of this variant remains unclear.

Baylor Genetics
Classification: Uncertain significance for Neuroblastoma, susceptibility to, 3. Last evaluated: 2024-01-31. Review status: criteria provided, single submitter. Criteria: ACMG Guidelines, 2015. Collection method: clinical testing. Allele origin: unknown.